The following is an entry in ClinVar:

NM_001001957.2(OR2W3):c.392A>C (p.His131Pro)

Gene: OR2W3 (olfactory receptor family 2 subfamily W member 3; plus strand). Cytogenetic location: 1q44.
Variant type: single nucleotide variant.
Coding change: c.392A>C on transcript NM_001001957.2 (MANE Select); coding-DNA position 392, A replaced by C.
Protein change: p.His131Pro; replaces histidine 131 with proline.
Molecular consequence: missense variant.
Genome position (GRCh38, 1-based): chr1:247,895,978, A>C. VCF-style: chr1-247895978-A-C. GRCh37 (hg19) VCF-style: chr1-248059280-A-C.
Other names: short protein forms H131P.
Identifiers: ClinVar variation 2186723 (VCV002186723.4), dbSNP rs1435608129, ClinGen allele CA345592298.

ClinVar aggregate classification (germline): Uncertain significance (1 of 4 stars; one submission).

Allele frequency attached by ClinVar (database versions not stated): TOPMed 0.00001.

Submission:

Labcorp Genetics (formerly Invitae), Labcorp
Classification: Uncertain significance. Last evaluated: 2022-09-25. Review status: criteria provided, single submitter. Criteria: Invitae Variant Classification Sherloc (09022015). Collection method: clinical testing. Allele origin: germline.
Comment: This sequence change replaces histidine, which is basic and polar, with proline, which is neutral and non-polar, at codon 131 of the OR2W3 protein (p.His131Pro). This variant is present in population databases (no rsID available, gnomAD 0.02%). This variant has not been reported in the literature in individuals affected with OR2W3-related conditions. Algorithms developed to predict the effect of missense changes on protein structure and function are either unavailable or do not agree on the potential impact of this missense change (SIFT: "Deleterious"; PolyPhen-2: "Possibly Damaging"; Align-GVGD: "Class C0"). In summary, the available evidence is currently insufficient to determine the role of this variant in disease. Therefore, it has been classified as a Variant of Uncertain Significance.